The following is an entry in ClinVar:

ClinVar aggregate classification (germline): Uncertain significance (1 of 4 stars; one submission).

Conditions:
Idiopathic generalized epilepsy. Also called: Generalised epilepsy; EIG. Identifiers: MedGen C0270850, MONDO:0005579, OMIM 600669.
Hyperaldosteronism, familial, type IV (HALD4). Also called: FH IV; ALDOSTERONISM, PRIMARY, AND HYPERTENSION. Identifiers: Orphanet 642671, MedGen C4310756, MONDO:0014875, OMIM 617027.

Submission:

Labcorp Genetics (formerly Invitae), Labcorp
Classification: Uncertain significance for Idiopathic generalized epilepsy; Hyperaldosteronism, familial, type IV. Last evaluated: 2018-12-17. Review status: criteria provided, single submitter. Criteria: Invitae Variant Classification Sherloc (09022015). Collection method: clinical testing. Allele origin: germline.
Comment: This sequence change replaces threonine with serine at codon 1588 of the CACNA1H protein (p.Thr1588Ser). The threonine residue is weakly conserved and there is a small physicochemical difference between threonine and serine. This variant is not present in population databases (ExAC no frequency). This variant has not been reported in the literature in individuals with CACNA1H-related conditions. Algorithms developed to predict the effect of missense changes on protein structure and function (SIFT, PolyPhen-2, Align-GVGD) all suggest that this variant is likely to be tolerated, but these predictions have not been confirmed by published functional studies and their clinical significance is uncertain. Algorithms developed to predict the effect of sequence changes on RNA splicing suggest that this variant may create or strengthen a splice site, but this prediction has not been confirmed by published transcriptional studies. In summary, the available evidence is currently insufficient to determine the role of this variant in disease. Therefore, it has been classified as a Variant of Uncertain Significance.

NM_021098.3(CACNA1H):c.4763C>G (p.Thr1588Ser)

Gene: CACNA1H (calcium voltage-gated channel subunit alpha1 H; plus strand). Cytogenetic location: 16p13.3.
Variant type: single nucleotide variant.
Coding change: c.4763C>G on transcript NM_021098.3 (MANE Select); coding-DNA position 4763, C replaced by G.
Protein change: p.Thr1588Ser; replaces threonine 1588 with serine.
Molecular consequence: missense variant. On other transcripts: intron variant (1).
Genome position (GRCh38, 1-based): chr16:1,212,514, C>G. VCF-style: chr16-1212514-C-G. GRCh37 (hg19) VCF-style: chr16-1262514-C-G.
Other names: c.4759+376C>G (NM_001005407.2); short protein forms T1588S.
Identifiers: ClinVar variation 645540 (VCV000645540.8), dbSNP rs1596462609, ClinGen allele CA394181432.